The following is an entry in ClinVar:

ClinVar aggregate classification (germline): Likely pathogenic (1 of 4 stars; one submission).

Conditions:
Cohen syndrome (COH1). Also called: Cutis verticis gyrata, retinitis pigmentosa, and sensorineural deafness; PEPPER SYNDROME. Identifiers: Orphanet 193, MedGen C0265223, MONDO:0008999, OMIM 216550.

Submission:

Labcorp Genetics (formerly Invitae), Labcorp
Classification: Likely pathogenic for Cohen syndrome. Last evaluated: 2019-05-29. Review status: criteria provided, single submitter. Criteria: Invitae Variant Classification Sherloc (09022015). Collection method: clinical testing. Allele origin: germline.
Comment: This variant is an in-frame deletion of the genomic region encompassing exons 18-19 of the VPS13B gene. It preserves the integrity of the reading frame. Deletion of exons 18-19 has been observed in combination with another VPS13B variant in a family affected with Cohen syndrome (PMID: 19533689). Experimental studies and prediction algorithms are not available for this variant, and the functional significance of the affected amino acid(s) is currently unknown. In summary, the currently available evidence indicates that the variant is pathogenic, but additional data are needed to prove that conclusively. Therefore, this variant has been classified as Likely Pathogenic.

Literature cited by the submitters: PubMed 19533689.

NC_000008.11:g.(?_99209582)_(99275264_?)del

Gene: VPS13B (vacuolar protein sorting 13 homolog B; plus strand). Cytogenetic location: 8q22.2.
Variant type: Deletion.
Identifiers: ClinVar variation 832260 (VCV000832260.1).